The following is an entry in ClinVar:

NM_032242.4(PLXNA1):c.2599C>T (p.Leu867Phe)

Gene: PLXNA1 (plexin A1; plus strand). Cytogenetic location: 3q21.3.
Variant type: single nucleotide variant.
Coding change: c.2599C>T on transcript NM_032242.4 (MANE Select); coding-DNA position 2599, C replaced by T.
Protein change: p.Leu867Phe; replaces leucine 867 with phenylalanine.
Molecular consequence: missense variant.
Genome position (GRCh38, 1-based): chr3:127,014,370, C>T. VCF-style: chr3-127014370-C-T. GRCh37 (hg19) VCF-style: chr3-126733213-C-T.
Other names: short protein forms L867F.
Identifiers: ClinVar variation 2631644 (VCV002631644.5), dbSNP rs761250156, ClinGen allele CA2593674.

ClinVar aggregate classification (germline): Uncertain significance. Review status: criteria provided, multiple submitters, no conflicts (2 of 4 stars). 2 submissions from 2 submitters: Uncertain significance (2). Last evaluated 2026-08-05.

Conditions:
PLXNA1-related disorder. Also called: PLXNA1-related condition.

Allele frequency attached by ClinVar (database versions not stated): ExAC 0.00004; gnomAD exomes 0.00008; TOPMed 0.00010; gnomAD 0.00011.
gnomAD v4.1: 135 of 1,591,420 alleles (0.0085%); highest among the groups gnomAD compares: Non-Finnish European, 0.01%; no homozygotes.

Submissions (2):

PreventionGenetics, part of Exact Sciences
Classification: Uncertain significance for PLXNA1-related condition. Last evaluated: 2026-08-05. Review status: criteria provided, single submitter. Criteria: ACMG Guidelines, 2015. Collection method: clinical testing. Allele origin: germline.
Comment: The PLXNA1 c.2599C>T variant is predicted to result in the amino acid substitution p.Leu867Phe. To our knowledge, this variant has not been reported in the literature. This variant is reported in 0.0097% of alleles in individuals of African descent in gnomAD. At this time, the clinical significance of this variant is uncertain due to the absence of conclusive functional and genetic evidence.

Ambry Genetics
Classification: Uncertain significance. Last evaluated: 2024-03-07. Review status: criteria provided, single submitter. Criteria: Ambry Variant Classification Scheme 2023. Collection method: clinical testing. Allele origin: germline.